The following is an entry in ClinVar:

ClinVar aggregate classification (germline): Uncertain significance (1 of 4 stars; one submission).

Allele frequency attached by ClinVar (database versions not stated): gnomAD exomes below 0.00001.
gnomAD v4.1: 2 of 1,614,158 alleles (0.00012%); highest among the groups gnomAD compares: Non-Finnish European, 0.00017%; no homozygotes.

Submission:

Labcorp Genetics (formerly Invitae), Labcorp
Classification: Uncertain significance. Last evaluated: 2023-12-02. Review status: criteria provided, single submitter. Criteria: Invitae Variant Classification Sherloc (09022015). Collection method: clinical testing. Allele origin: germline.
Comment: This sequence change replaces glutamic acid, which is acidic and polar, with glycine, which is neutral and non-polar, at codon 37 of the TFRC protein (p.Glu37Gly). This variant is not present in population databases (gnomAD no frequency). This variant has not been reported in the literature in individuals affected with TFRC-related conditions. An algorithm developed to predict the effect of missense changes on protein structure and function (PolyPhen-2) suggests that this variant is likely to be disruptive. In summary, the available evidence is currently insufficient to determine the role of this variant in disease. Therefore, it has been classified as a Variant of Uncertain Significance.

NM_001128148.3(TFRC):c.110A>G (p.Glu37Gly)

Gene: TFRC (transferrin receptor; minus strand). Cytogenetic location: 3q29.
Variant type: single nucleotide variant.
Coding change: c.110A>G on transcript NM_001128148.3 (MANE Select); coding-DNA position 110, A replaced by G.
Protein change: p.Glu37Gly; replaces glutamic acid 37 with glycine.
Molecular consequence: missense variant. On other transcripts: intron variant (2).
Genome position (GRCh38, 1-based): chr3:196,075,287, T>C on the plus strand (A>G on the coding strand, the complement: TFRC is on the minus strand). VCF-style: chr3-196075287-T-C. GRCh37 (hg19) VCF-style: chr3-195802158-T-C.
Other names: c.110A>G, p.Glu37Gly (NM_003234.4); c.-413+1777A>G (NM_001313966.2); c.-5-1162A>G (NM_001313965.2); short protein forms E37G.
Identifiers: ClinVar variation 2782934 (VCV002782934.3), dbSNP rs1718587665, ClinGen allele CA355579426.